The following is an entry in ClinVar:

ClinVar aggregate classification (germline): Uncertain significance. Review status: criteria provided, multiple submitters, no conflicts (2 of 4 stars). 2 submissions from 2 submitters: Uncertain significance (2). Last evaluated 2022-02-05.

Conditions:
Neuromuscular disease caused by qualitative or quantitative defects of dysferlin. Also called: Dysferlinopathy; Qualitative or quantitative defects of dysferlin. Identifiers: Orphanet 207073, MedGen C2931687, MONDO:0016145.

Allele frequency attached by ClinVar (database versions not stated): gnomAD exomes below 0.00001.
gnomAD v4.1: 1 of 1,614,214 alleles (0.000062%); highest among the groups gnomAD compares: Non-Finnish European, 0.000085%; no homozygotes.

Submissions (2):

Labcorp Genetics (formerly Invitae), Labcorp
Classification: Uncertain significance for Neuromuscular disease caused by qualitative or quantitative defects of dysferlin. Last evaluated: 2022-02-05. Review status: criteria provided, single submitter. Criteria: Invitae Variant Classification Sherloc (09022015). Collection method: clinical testing. Allele origin: germline.
Comment: This sequence change replaces serine, which is neutral and polar, with isoleucine, which is neutral and non-polar, at codon 431 of the DYSF protein (p.Ser431Ile). In summary, the available evidence is currently insufficient to determine the role of this variant in disease. Therefore, it has been classified as a Variant of Uncertain Significance. Advanced modeling of protein sequence and biophysical properties (such as structural, functional, and spatial information, amino acid conservation, physicochemical variation, residue mobility, and thermodynamic stability) performed at Invitae indicates that this missense variant is not expected to disrupt DYSF protein function. ClinVar contains an entry for this variant (Variation ID: 501187). This variant has not been reported in the literature in individuals affected with DYSF-related conditions. This variant is not present in population databases (gnomAD no frequency).

Eurofins Ntd Llc (ga)
Classification: Uncertain significance. Last evaluated: 2017-04-05. Review status: criteria provided, single submitter. Criteria: EGL Classification Definitions 2015. Collection method: clinical testing. Allele origin: germline. Observed: 1 variant allele, 1 heterozygote.

NM_001130987.2(DYSF):c.1388G>T (p.Ser463Ile)

Gene: DYSF (dysferlin; plus strand). Cytogenetic location: 2p13.2.
Variant type: single nucleotide variant.
Coding change: c.1388G>T on transcript NM_001130987.2 (MANE Select); coding-DNA position 1388, G replaced by T.
Protein change: p.Ser463Ile; replaces serine 463 with isoleucine.
Molecular consequence: missense variant.
Genome position (GRCh38, 1-based): chr2:71,535,028, G>T. VCF-style: chr2-71535028-G-T. GRCh37 (hg19) VCF-style: chr2-71762158-G-T.
Other names: c.1295G>T, p.Ser432Ile (NM_001130455.2, NM_001130983.2, NM_001130984.2 and 1 more transcripts); c.1292G>T, p.Ser431Ile (NM_001130976.2, NM_001130977.2, NM_001130978.2 and 1 more transcripts); c.1385G>T, p.Ser462Ile (NM_001130979.2, NM_001130980.2, NM_001130981.2); c.1388G>T, p.Ser463Ile (NM_001130982.2, NM_001130985.2); short protein forms S431I, S463I, S462I, S432I.
Identifiers: ClinVar variation 501187 (VCV000501187.12), dbSNP rs1553535807, ClinGen allele CA347215589.
Genomic context (GRCh38, chr2:71,535,028, plus strand): 5'-GCCCAGAGTCCCCATGGAGCTTGATCAACTTGTCCCCTCCCTGTGTCTTCTAGCTGTGCA[G>T]CAAGATCTTGGAGAAGACGGCCAACCCTCAGTGGAACCAGAACATCACACTGCCTGCCAT-3'
Protein context (NP_001124459.1, residues 453-473): EVSFAGKMLC[Ser463Ile]KILEKTANPQ